The following is an entry in ClinVar:

NM_001170535.3(ATAD3A):c.1249C>T (p.Leu417Phe)

Gene: ATAD3A (ATPase family AAA domain containing 3A; plus strand). Cytogenetic location: 1p36.33.
Variant type: single nucleotide variant.
Coding change: c.1249C>T on transcript NM_001170535.3 (MANE Select); coding-DNA position 1249, C replaced by T.
Protein change: p.Leu417Phe; replaces leucine 417 with phenylalanine.
Molecular consequence: missense variant.
Genome position (GRCh38, 1-based): chr1:1,525,274, C>T. VCF-style: chr1-1525274-C-T. GRCh37 (hg19) VCF-style: chr1-1460654-C-T.
Other names: c.1012C>T, p.Leu338Phe (NM_001170536.3); c.1393C>T, p.Leu465Phe (NM_018188.5); short protein forms L338F, L417F, L465F.
Identifiers: ClinVar variation 1711201 (VCV001711201.30), dbSNP rs1265381565, ClinGen allele CA337858418.

ClinVar aggregate classification (germline): Uncertain significance (1 of 4 stars; one submission).

Allele frequency attached by ClinVar (database versions not stated): TOPMed below 0.00001.

Submission:

CeGaT Center for Human Genetics Tuebingen
Classification: Uncertain significance. Last evaluated: 2022-09-01. Review status: criteria provided, single submitter. Criteria: CeGaT Center For Human Genetics Tuebingen Variant Classification Criteria Version 2. Collection method: clinical testing. Allele origin: germline. Affected: yes. Observed: 1 variant allele.
Comment: ATAD3A: PM2